The following is an entry in ClinVar:

ClinVar aggregate classification (germline): Uncertain significance (1 of 4 stars; one submission).

Submission:

Labcorp Genetics (formerly Invitae), Labcorp
Classification: Uncertain significance. Last evaluated: 2024-06-26. Review status: criteria provided, single submitter. Criteria: Invitae Variant Classification Sherloc (09022015). Collection method: clinical testing. Allele origin: germline.
Comment: This sequence change replaces glutamic acid, which is acidic and polar, with aspartic acid, which is acidic and polar, at codon 345 of the COL4A3 protein (p.Glu345Asp). This variant is not present in population databases (gnomAD no frequency). This variant has not been reported in the literature in individuals affected with COL4A3-related conditions. Advanced modeling of protein sequence and biophysical properties (such as structural, functional, and spatial information, amino acid conservation, physicochemical variation, residue mobility, and thermodynamic stability) performed at Invitae indicates that this missense variant is not expected to disrupt COL4A3 protein function with a negative predictive value of 95%. In summary, the available evidence is currently insufficient to determine the role of this variant in disease. Therefore, it has been classified as a Variant of Uncertain Significance.

NM_000091.5(COL4A3):c.1035A>C (p.Glu345Asp)

Genes: COL4A3 (collagen type IV alpha 3 chain; plus strand), MFF-DT (MFF divergent transcript; minus strand). Cytogenetic location: 2q36.3.
Variant type: single nucleotide variant.
Coding change: c.1035A>C on transcript NM_000091.5 (MANE Select); coding-DNA position 1035, A replaced by C.
Protein change: p.Glu345Asp; replaces glutamic acid 345 with aspartic acid.
Molecular consequence: missense variant.
Genome position (GRCh38, 1-based): chr2:227,259,798, A>C. VCF-style: chr2-227259798-A-C. GRCh37 (hg19) VCF-style: chr2-228124514-A-C.
Other names: short protein forms E345D.
Identifiers: ClinVar variation 3631404 (VCV003631404.2).